The following is an entry in ClinVar:

ClinVar aggregate classification (germline): Benign. Review status: criteria provided, multiple submitters, no conflicts (2 of 4 stars). 2 submissions from 2 submitters: Benign (2). Last evaluated 2018-01-13.

Conditions:
Autoimmune lymphoproliferative syndrome type 2A (ALPS2A). Also called: CASP10-Related Autoimmune Lymphoproliferative Syndrome; AUTOIMMUNE LYMPHOPROLIFERATIVE SYNDROME, TYPE IIA; Autoimmune lymphoproliferative syndrome type 2. Identifiers: Orphanet 3261, MedGen C1858968, MONDO:0011383, OMIM 603909.

Allele frequency attached by ClinVar (database versions not stated): TOPMed 0.03611; 1000 Genomes Project 30x 0.03873; 1000 Genomes Project 0.03914.
gnomAD v4.1: 8,271 of 232,782 alleles (3.6%); highest among the groups gnomAD compares: Middle Eastern, 7.2%; 192 homozygotes.

Submissions (2):

Illumina Laboratory Services, Illumina
Classification: Benign for Autoimmune lymphoproliferative syndrome type 2A. Last evaluated: 2018-01-13. Review status: criteria provided, single submitter. Criteria: ICSL Variant Classification Criteria 13 December 2019. Collection method: clinical testing. Allele origin: germline.
Comment: This variant was observed in the ICSL laboratory as part of a predisposition screen in an ostensibly healthy population. It had not been previously curated by ICSL or reported in the Human Gene Mutation Database (HGMD: prior to June 1st, 2018), and was therefore a candidate for classification through an automated scoring system. Utilizing variant allele frequency, disease prevalence and penetrance estimates, and inheritance mode, an automated score was calculated to assess if this variant is too frequent to cause the disease. Based on the score and internal cut-off values, a variant classified as benign is not then subjected to further curation. The score for this variant resulted in a classification of benign for this disease.

Breakthrough Genomics
Classification: Benign. Review status: criteria provided, single submitter. Criteria: ACMG Guidelines, 2015. Collection method: not provided. Allele origin: germline. Inheritance: Autosomal dominant inheritance. Affected: yes.

NM_032977.4(CASP10):c.*1520C>T

Gene: CASP10 (caspase 10; plus strand). Cytogenetic location: 2q33.1.
Variant type: single nucleotide variant.
Coding change: c.*1520C>T on transcript NM_032977.4 (MANE Select); 1520 bases downstream of the stop codon, C replaced by T.
Molecular consequence: 3 prime UTR variant. On other transcripts: intron variant (2).
Genome position (GRCh38, 1-based): chr2:201,219,261, C>T. VCF-style: chr2-201219261-C-T. GRCh37 (hg19) VCF-style: chr2-202083984-C-T.
Other names: c.*1520C>T (NM_001206524.2, NM_001230.5); c.*2175C>T (NM_032976.4); c.1416-9672C>T (NM_032974.5); c.1287-9672C>T (NM_001206542.2).
Identifiers: ClinVar variation 333463 (VCV000333463.6), dbSNP rs41331447, ClinGen allele CA10613470.